The following is an entry in ClinVar:

NM_006623.4(PHGDH):c.139-2A>G

Gene: PHGDH (phosphoglycerate dehydrogenase; plus strand). Cytogenetic location: 1p12.
Variant type: single nucleotide variant.
Coding change: c.139-2A>G on transcript NM_006623.4 (MANE Select); the canonical splice acceptor site of the intron before coding-DNA position 139, A replaced by G.
Molecular consequence: splice acceptor variant.
Genome position (GRCh38, 1-based): chr1:119,721,168, A>G. VCF-style: chr1-119721168-A-G. GRCh37 (hg19) VCF-style: chr1-120263791-A-G.
Other names: c.139-2A>G (NM_006623.3).
Identifiers: ClinVar variation 2779632 (VCV002779632.4), dbSNP rs2464079458, ClinGen allele CA341416664.

ClinVar aggregate classification (germline): Likely pathogenic. Review status: criteria provided, multiple submitters, no conflicts (2 of 4 stars). 2 submissions from 2 submitters: Likely pathogenic (2). Last evaluated 2024-12-13.

Conditions:
PHGDH deficiency. Identifiers: Orphanet 79351, MedGen C1866174, MONDO:0011152, OMIM 601815.

Submissions (2):

Natera, Inc.
Classification: Likely pathogenic for Phosphoglycerate dehydrogenase deficiency. Last evaluated: 2024-12-13. Review status: criteria provided, single submitter. Criteria: Natera Variant Classification Schema (03/2026). Collection method: clinical testing. Allele origin: germline.
Comment: The c.139-2A>G variant in PHGDH is a canonical splice acceptor site variant predicted to affect pre-mRNA splicing, which may result in an abnormal transcript and altered protein product. This variant is expected to result in nonsense mediated decay, truncation, or a dysfunctional protein product. This variant is rare in the general population with a frequency below the threshold expected for the associated phenotype(s). Given the available evidence, this variant is classified as Likely Pathogenic.

Labcorp Genetics (formerly Invitae), Labcorp
Classification: Likely pathogenic for PHGDH deficiency. Last evaluated: 2023-02-01. Review status: criteria provided, single submitter. Criteria: Invitae Variant Classification Sherloc (09022015). Collection method: clinical testing. Allele origin: germline.
Comment: This sequence change affects an acceptor splice site in intron 1 of the PHGDH gene. It is expected to disrupt RNA splicing. Variants that disrupt the donor or acceptor splice site typically lead to a loss of protein function (PMID: 16199547), and loss-of-function variants in PHGDH are known to be pathogenic (PMID: 14645240, 24836451). This variant is not present in population databases (gnomAD no frequency). This variant has not been reported in the literature in individuals affected with PHGDH-related conditions. Algorithms developed to predict the effect of sequence changes on RNA splicing suggest that this variant may disrupt the consensus splice site. In summary, the currently available evidence indicates that the variant is pathogenic, but additional data are needed to prove that conclusively. Therefore, this variant has been classified as Likely Pathogenic.

Literature cited by the submitters: PubMed 16199547 (cited by Labcorp Genetics (formerly Invitae), Labcorp); PubMed 14645240 (cited by Labcorp Genetics (formerly Invitae), Labcorp); PubMed 24836451 (cited by Labcorp Genetics (formerly Invitae), Labcorp).